The following is an entry in ClinVar:

ClinVar aggregate classification (germline): Uncertain significance (1 of 4 stars; one submission).

Conditions:
Symmetrical dyschromatosis of extremities (DSH). Also called: DYSCHROMATOSIS SYMMETRICA HEREDITARIA 1; RETICULATE ACROPIGMENTATION OF DOHI; SYMMETRIC DYSCHROMATOSIS OF THE EXTREMITIES; Dyschromatosis symmetrica hereditaria. Identifiers: Orphanet 41, MedGen C0406775, MONDO:0007483, OMIM 127400.
Aicardi-Goutieres syndrome 6 (AGS6). Identifiers: Orphanet 51, MedGen C3539013, MONDO:0014007, OMIM 615010.

Allele frequency attached by ClinVar (database versions not stated): ExAC 0.00001.

Submission:

Labcorp Genetics (formerly Invitae), Labcorp
Classification: Uncertain significance for Aicardi-Goutieres syndrome 6; Symmetrical dyschromatosis of extremities. Last evaluated: 2025-01-23. Review status: criteria provided, single submitter. Criteria: Invitae Variant Classification Sherloc (09022015). Collection method: clinical testing. Allele origin: germline.
Comment: This sequence change replaces arginine, which is basic and polar, with glutamine, which is neutral and polar, at codon 916 of the ADAR protein (p.Arg916Gln). This variant is present in population databases (rs754785131, gnomAD 0.0009%). This missense change has been observed in individual(s) with autosomal dominant dyschromatosis symmetrica hereditaria (PMID: 16917490, 20186421). ClinVar contains an entry for this variant (Variation ID: 1515944). Invitae Evidence Modeling of protein sequence and biophysical properties (such as structural, functional, and spatial information, amino acid conservation, physicochemical variation, residue mobility, and thermodynamic stability) has been performed for this missense variant. However, the output from this modeling did not meet the statistical confidence thresholds required to predict the impact of this variant on ADAR protein function. In summary, the available evidence is currently insufficient to determine the role of this variant in disease. Therefore, it has been classified as a Variant of Uncertain Significance.

Literature cited by the submitters: PubMed 16917490; PubMed 20186421.

NM_001111.5(ADAR):c.2747G>A (p.Arg916Gln)

Genes: ADAR (adenosine deaminase RNA specific; minus strand), LOC126805874 (CDK7 strongly-dependent group 2 enhancer GRCh37_chr1:154561176-154562375; plus strand). Cytogenetic location: 1q21.3.
Variant type: single nucleotide variant.
Coding change: c.2747G>A on transcript NM_001111.5 (MANE Select); coding-DNA position 2747, G replaced by A.
Protein change: p.Arg916Gln; replaces arginine 916 with glutamine.
Molecular consequence: missense variant.
Genome position (GRCh38, 1-based): chr1:154,589,384, C>T on the plus strand (G>A on the coding strand, the complement: ADAR is on the minus strand). VCF-style: chr1-154589384-C-T. GRCh37 (hg19) VCF-style: chr1-154561860-C-T.
Other names: c.1862G>A, p.Arg621Gln (NM_001025107.3, NM_001193495.2, NM_001365046.1 and 2 more transcripts); c.2774G>A, p.Arg925Gln (NM_001365045.1); c.1784G>A, p.Arg595Gln (NM_001365049.1); c.2669G>A, p.Arg890Gln (NM_015840.4); c.2612G>A, p.Arg871Gln (NM_015841.4); short protein forms R871Q, R890Q, R916Q, R595Q, R621Q, R925Q.
Identifiers: ClinVar variation 1515944 (VCV001515944.8), dbSNP rs754785131, ClinGen allele CA1131168.